The following is an entry in ClinVar:

NM_001384479.1(AGT):c.911_923del (p.Leu304fs)

Gene: AGT (angiotensinogen; minus strand). Cytogenetic location: 1q42.2.
Variant type: Deletion.
Coding change: c.911_923del on transcript NM_001384479.1 (MANE Select); coding-DNA positions 911 to 923, 13 bases deleted (TCTCTGGCATGGG).
Protein change: p.Leu304fs; shifts the reading frame from leucine 304.
Molecular consequence: frameshift variant.
Genome position (GRCh38, 1-based): chr1:230,706,107-230,706,119, CCCATGCCAGAGA deleted on the plus strand (TCTCTGGCATGGG on the coding strand, the reverse complement: AGT is on the minus strand). VCF-style (leftmost placement, unchanged base first): chr1-230706106-GCCCATGCCAGAGA-G. GRCh37 (hg19) VCF-style: chr1-230841852-GCCCATGCCAGAGA-G.
Other names: c.911_923del, p.Leu304fs (NM_001382817.3); short protein forms L304fs.
Identifiers: ClinVar variation 3646887 (VCV003646887.2).
Genomic context (GRCh38, chr1:230,706,106, plus strand): 5'-AGTGAAGGGCACTTGAGTCACCGAGAAGTTGTCCTGGATGTCACTCCAGTGCTGGAAGGT[GCCCATGCCAGAGA>G]GCATGGGAACAGACACTGAGGTGCTGTTGTCCACCCAGAACTCCTGGGGCTCGGCCAGCA-3'

ClinVar aggregate classification (germline): Pathogenic (1 of 4 stars; one submission).

Submission:

Labcorp Genetics (formerly Invitae), Labcorp
Classification: Pathogenic. Last evaluated: 2025-05-12. Review status: criteria provided, single submitter. Criteria: Invitae Variant Classification Sherloc (09022015). Collection method: clinical testing. Allele origin: germline.
Comment: This sequence change creates a premature translational stop signal (p.Leu313Profs*15) in the AGT gene. It is expected to result in an absent or disrupted protein product. Loss-of-function variants in AGT are known to be pathogenic (PMID: 11096065, 17036344, 31718018). This variant is not present in population databases (gnomAD no frequency). This variant has not been reported in the literature in individuals affected with AGT-related conditions. ClinVar contains an entry for this variant (Variation ID: 3646887). Algorithms developed to predict the effect of sequence changes on RNA splicing suggest that this variant may create or strengthen a splice site. For these reasons, this variant has been classified as Pathogenic.

Literature cited by the submitters: PubMed 11096065; PubMed 17036344; PubMed 31718018.